The following is an entry in ClinVar:

ClinVar aggregate classification (germline): Uncertain significance. Review status: criteria provided, multiple submitters, no conflicts (2 of 4 stars). 3 submissions from 3 submitters: Uncertain significance (3). Last evaluated 2024-11-04.

Allele frequency attached by ClinVar (database versions not stated): ExAC 0.00006; gnomAD exomes 0.00007 and 0.00008; ESP Exome Variant Server 0.00008; TOPMed 0.00008; gnomAD 0.00009.
gnomAD v4.1: 112 of 1,612,868 alleles (0.0069%); highest among the groups gnomAD compares: Non-Finnish European, 0.0057%; no homozygotes.

Submissions (3):

Blueprint Genetics
Classification: Uncertain significance. Last evaluated: 2024-11-04. Review status: criteria provided, single submitter. Criteria: ACMG Guidelines, 2015. Collection method: clinical testing. Allele origin: germline.

Labcorp Genetics (formerly Invitae), Labcorp
Classification: Uncertain significance. Last evaluated: 2024-05-06. Review status: criteria provided, single submitter. Criteria: Invitae Variant Classification Sherloc (09022015). Collection method: clinical testing. Allele origin: germline.
Comment: This sequence change replaces arginine, which is basic and polar, with tryptophan, which is neutral and slightly polar, at codon 359 of the SLC13A3 protein (p.Arg359Trp). This variant is present in population databases (rs145850992, gnomAD 0.1%). This variant has not been reported in the literature in individuals affected with SLC13A3-related conditions. ClinVar contains an entry for this variant (Variation ID: 1430041). Advanced modeling of protein sequence and biophysical properties (such as structural, functional, and spatial information, amino acid conservation, physicochemical variation, residue mobility, and thermodynamic stability) performed at Invitae indicates that this missense variant is expected to disrupt SLC13A3 protein function with a positive predictive value of 80%. In summary, the available evidence is currently insufficient to determine the role of this variant in disease. Therefore, it has been classified as a Variant of Uncertain Significance.

Ambry Genetics
Classification: Uncertain significance. Last evaluated: 2023-08-05. Review status: criteria provided, single submitter. Criteria: Ambry Variant Classification Scheme 2023. Collection method: clinical testing. Allele origin: germline.

NM_022829.6(SLC13A3):c.1075C>T (p.Arg359Trp)

Gene: SLC13A3 (solute carrier family 13 member 3; minus strand). Cytogenetic location: 20q13.12.
Variant type: single nucleotide variant.
Coding change: c.1075C>T on transcript NM_022829.6 (MANE Select); coding-DNA position 1075, C replaced by T.
Protein change: p.Arg359Trp; replaces arginine 359 with tryptophan.
Molecular consequence: missense variant. On other transcripts: intron variant (1).
Genome position (GRCh38, 1-based): chr20:46,588,105, G>A on the plus strand (C>T on the coding strand, the complement: SLC13A3 is on the minus strand). VCF-style: chr20-46588105-G-A. GRCh37 (hg19) VCF-style: chr20-45216744-G-A.
Other names: c.934C>T, p.Arg312Trp (NM_001011554.3); c.925C>T, p.Arg309Trp (NM_001193339.2); c.781C>T, p.Arg261Trp (NM_001193342.2); c.875+1055C>T (NM_001193340.2); c.1075C>T (NM_022829.5); short protein forms R261W, R359W, R312W, R309W.
Identifiers: ClinVar variation 1430041 (VCV001430041.7), dbSNP rs145850992, ClinGen allele CA9891419.